The following is an entry in ClinVar:

ClinVar aggregate classification (germline): Uncertain significance. Review status: criteria provided, multiple submitters, no conflicts (2 of 4 stars). 3 submissions from 3 submitters: Uncertain significance (3). Last evaluated 2025-09-04.

Conditions:
Hereditary cancer-predisposing syndrome. Also called: Neoplastic Syndromes, Hereditary; Tumor predisposition; Hereditary Cancer Syndrome; Hereditary neoplastic syndrome. Identifiers: Orphanet 140162, MedGen C0027672, MeSH D009386, MONDO:0015356.
Familial adenomatous polyposis 1 (FAP1). Also called: FAMILIAL ADENOMATOUS POLYPOSIS 1, ATTENUATED; POLYPOSIS, ADENOMATOUS INTESTINAL. Identifiers: MedGen C2713442, MONDO:0021056, OMIM 175100. Disease mechanism: loss of function.

Submissions (3):

Ambry Genetics
Classification: Uncertain significance for Hereditary cancer-predisposing syndrome. Last evaluated: 2025-09-04. Review status: criteria provided, single submitter. Criteria: Ambry Variant Classification Scheme 2023. Collection method: clinical testing. Allele origin: germline.
Comment: The p.A885S variant (also known as c.2653G>T), located in coding exon 15 of the APC gene, results from a G to T substitution at nucleotide position 2653. The alanine at codon 885 is replaced by serine, an amino acid with similar properties. This amino acid position is conserved. In addition, in silico predictors for this gene do not accurately predict pathogenicity. Based on the available evidence, the clinical significance of this variant remains unclear.

Color Diagnostics, LLC DBA Color Health
Classification: Uncertain significance for Hereditary cancer-predisposing syndrome. Last evaluated: 2023-12-04. Review status: criteria provided, single submitter. Criteria: ACMG Guidelines, 2015. Collection method: clinical testing. Allele origin: germline.
Comment: This missense variant replaces alanine with serine at codon 885 of the APC protein. Computational prediction suggests that this variant may not impact protein structure and function (internally defined REVEL score threshold <= 0.5, PMID: 27666373). To our knowledge, functional studies have not been reported for this variant. This variant has not been reported in individuals affected with APC-related disorders in the literature. This variant has not been identified in the general population by the Genome Aggregation Database (gnomAD). The available evidence is insufficient to determine the role of this variant in disease conclusively. Therefore, this variant is classified as a Variant of Uncertain Significance.

Labcorp Genetics (formerly Invitae), Labcorp
Classification: Uncertain significance for Familial adenomatous polyposis 1. Last evaluated: 2021-06-28. Review status: criteria provided, single submitter. Criteria: Invitae Variant Classification Sherloc (09022015). Collection method: clinical testing. Allele origin: germline.
Comment: This sequence change replaces alanine with serine at codon 885 of the APC protein (p.Ala885Ser). The alanine residue is highly conserved and there is a moderate physicochemical difference between alanine and serine. This variant is not present in population databases (ExAC no frequency). This variant has not been reported in the literature in individuals with APC-related conditions. Algorithms developed to predict the effect of missense changes on protein structure and function are either unavailable or do not agree on the potential impact of this missense change (SIFT: "Deleterious"; PolyPhen-2: "Benign"; Align-GVGD: "Class C0"). In summary, the available evidence is currently insufficient to determine the role of this variant in disease. Therefore, it has been classified as a Variant of Uncertain Significance.

NM_000038.6(APC):c.2653G>T (p.Ala885Ser)

Gene: APC (APC regulator of Wnt signaling pathway; plus strand). Cytogenetic location: 5q22.2.
Variant type: single nucleotide variant.
Coding change: c.2653G>T on transcript NM_000038.6 (MANE Select); coding-DNA position 2653, G replaced by T.
Protein change: p.Ala885Ser; replaces alanine 885 with serine.
Molecular consequence: missense variant.
Genome position (GRCh38, 1-based): chr5:112,838,247, G>T. VCF-style: chr5-112838247-G-T. GRCh37 (hg19) VCF-style: chr5-112173944-G-T.
Other names: c.2476G>T, p.Ala826Ser (NM_001354901.2); c.2380G>T, p.Ala794Ser (NM_001354902.2); c.2350G>T, p.Ala784Ser (NM_001354903.2); c.2275G>T, p.Ala759Ser (NM_001354904.2); c.2173G>T, p.Ala725Ser (NM_001354905.2); c.1804G>T, p.Ala602Ser (NM_001354906.2); c.2653G>T, p.Ala885Ser (NM_001127510.3, NM_001354895.2); c.2599G>T, p.Ala867Ser (NM_001127511.3); and 5 more; short protein forms A759S, A784S, A867S, A826S, A860S, A885S, A895S, A725S.
Identifiers: ClinVar variation 919184 (VCV000919184.17), dbSNP rs1344158460, ClinGen allele CA16027126.
Genomic context (GRCh38, chr5:112,838,247, plus strand): 5'-CCAGCAACAGAAAATCCAGGAACTTCTTCAAAGCGAGGTTTGCAGATCTCCACCACTGCA[G>T]CCCAGATTGCCAAAGTCATGGAAGAAGTGTCAGCCATTCATACCTCTCAGGAAGACAGAA-3'
Protein context (NP_000029.2, residues 875-895): KRGLQISTTA[Ala885Ser]QIAKVMEEVS